The following is an entry in ClinVar:

ClinVar aggregate classification (germline): Conflicting classifications of pathogenicity. Review status: criteria provided, conflicting classifications (1 of 4 stars). 4 submissions from 4 submitters: Uncertain significance (3); Likely benign (1). Last evaluated 2025-11-04.

Conditions:
Cardiovascular phenotype. Identifiers: MedGen CN230736.
TTN-related disorder. Also called: TTN-related condition; TTN-related disease; TTN-related disorders.

Allele frequency attached by ClinVar (database versions not stated): ExAC 0.00001; gnomAD exomes 0.00001; TOPMed 0.00002; gnomAD 0.00003.
gnomAD v4.1: 19 of 1,613,662 alleles (0.0012%); highest among the groups gnomAD compares: South Asian, 0.0055%; no homozygotes.

Submissions (4):

PreventionGenetics, part of Exact Sciences
Classification: Uncertain significance for TTN-related condition. Last evaluated: 2025-11-04. Review status: criteria provided, single submitter. Criteria: ACMG Guidelines, 2015. Collection method: clinical testing. Allele origin: germline.
Comment: The TTN c.11614G>A variant is predicted to result in the amino acid substitution p.Gly3872Ser. To our knowledge, this variant has not been reported in the literature. This variant is reported in 0.0041% of alleles in individuals of African descent in gnomAD. At this time, the clinical significance of this variant is uncertain due to the absence of conclusive functional and genetic evidence.

Blueprint Genetics
Classification: Likely benign. Last evaluated: 2023-02-16. Review status: criteria provided, single submitter. Criteria: ACMG Guidelines, 2015. Collection method: clinical testing. Allele origin: germline.

GeneDx
Classification: Uncertain significance. Last evaluated: 2023-01-18. Review status: criteria provided, single submitter. Criteria: GeneDx Variant Classification Process June 2021. Collection method: clinical testing. Allele origin: germline. Affected: yes.
Comment: Not observed at significant frequency in large population cohorts (gnomAD); Missense variant in a gene in which most reported pathogenic variants are truncating/loss of function; Located in a region of TTN within the I-band in which the majority of loss of function variants are significantly associated with autosomal dominant titinopathies (Deo et al., 2016; Schafer et al., 2017); This variant is associated with the following publications: (PMID: 23975875)

Ambry Genetics
Classification: Uncertain significance for Cardiovascular phenotype. Last evaluated: 2016-06-10. Review status: criteria provided, single submitter. Criteria: Ambry Variant Classification Scheme 2023. Collection method: clinical testing. Allele origin: germline.
Comment: The p.G3509S variant (also known as c.10525G>A), located in coding exon 44 of the TTN gene, results from a G to A substitution at nucleotide position 10525. The glycine at codon 3509 is replaced by serine, an amino acid with similar properties, and is located in the I-band region of the N2-B isoform of the titin protein. Based on data from ExAC, the A allele has an overall frequency less than 0.01% (1/105457). This variant was not reported in population based cohorts in the following databases: Database of Single Nucleotide Polymorphisms (dbSNP), NHLBI Exome Sequencing Project (ESP), and 1000 Genomes Project. In the ESP, this variant was not observed in 6021 samples (12042 alleles) with coverage at this position. This amino acid position is not well conserved in available vertebrate species. In addition, this alteration is predicted to be tolerated by in silico analysis. Since supporting evidence is limited at this time, the clinical significance of this alteration remains unclear.

NM_001267550.2(TTN):c.11614G>A (p.Gly3872Ser)

Gene: TTN (titin; minus strand). Cytogenetic location: 2q31.2.
Variant type: single nucleotide variant.
Coding change: c.11614G>A on transcript NM_001267550.2 (MANE Select); coding-DNA position 11614, G replaced by A.
Protein change: p.Gly3872Ser; replaces glycine 3872 with serine.
Molecular consequence: missense variant. On other transcripts: intron variant (1).
Genome position (GRCh38, 1-based): chr2:178,741,619, C>T on the plus strand (G>A on the coding strand, the complement: TTN is on the minus strand). VCF-style: chr2-178741619-C-T. GRCh37 (hg19) VCF-style: chr2-179606346-C-T.
Other names: c.11614G>A (NM_001267550.1); c.10663G>A, p.Gly3555Ser (NM_001256850.1); c.10525G>A, p.Gly3509Ser (NM_003319.4); c.10900G>A, p.Gly3634Ser (NM_133432.3); c.11101G>A, p.Gly3701Ser (NM_133437.4); c.10361-3259G>A (NM_133378.4); short protein forms G3555S, G3872S, G3509S, G3701S, G3634S.
Identifiers: ClinVar variation 509258 (VCV000509258.8), dbSNP rs754936734, ClinGen allele CA2002828.